The following is an entry in ClinVar:

NM_004415.4(DSP):c.5790A>G (p.Thr1930=)

Gene: DSP (desmoplakin; plus strand). Cytogenetic location: 6p24.3.
Variant type: single nucleotide variant.
Coding change: c.5790A>G on transcript NM_004415.4 (MANE Select); coding-DNA position 5790, A replaced by G.
Protein change: p.Thr1930=; no amino-acid change (threonine 1930 retained).
Molecular consequence: synonymous variant.
Genome position (GRCh38, 1-based): chr6:7,583,052, A>G. VCF-style: chr6-7583052-A-G. GRCh37 (hg19) VCF-style: chr6-7583285-A-G.
Other names: c.3993A>G, p.Thr1331= (NM_001008844.3); c.4461A>G, p.Thr1487= (NM_001319034.2).
Identifiers: ClinVar variation 3069699 (VCV003069699.1), dbSNP rs1759497003, ClinGen allele CA448715581.

ClinVar aggregate classification (germline): Likely benign (1 of 4 stars; one submission).

Conditions:
Arrhythmogenic cardiomyopathy with wooly hair and keratoderma. Also called: Carvajal syndrome; PALMOPLANTAR KERATODERMA WITH LEFT VENTRICULAR CARDIOMYOPATHY AND WOOLLY HAIR; Dilated cardiomyopathy with woolly hair and keratoderma; Arrhythmogenic cardiomyopathy with woolly hair and keratoderma. Identifiers: Orphanet 65282, MedGen C1854063, MONDO:0011581, OMIM 605676.

Submission:

All of Us Research Program, National Institutes of Health
Classification: Likely benign for Arrhythmogenic cardiomyopathy with wooly hair and keratoderma. Last evaluated: 2023-02-24. Review status: criteria provided, single submitter. Criteria: ACMG Guidelines, 2015. Collection method: clinical testing. Allele origin: germline. Inheritance: Autosomal dominant inheritance. Observed: 1 variant allele, 1 heterozygote.
Comment: This study involves interpretation of variants in research participants for the purpose of population health screening. Participant phenotype was not available at the time of variant classification. Additional details can be found in publication PMID: 35346344, PMCID: PMC8962531